The following is an entry in ClinVar:

ClinVar aggregate classification (germline): Uncertain significance (1 of 4 stars; one submission).

Conditions:
Alstrom syndrome (ALMS). Identifiers: Orphanet 64, MedGen C0268425, MONDO:0008763, OMIM 203800.

Submission:

Labcorp Genetics (formerly Invitae), Labcorp
Classification: Uncertain significance for Alstrom syndrome. Last evaluated: 2021-11-14. Review status: criteria provided, single submitter. Criteria: Invitae Variant Classification Sherloc (09022015). Collection method: clinical testing. Allele origin: germline.
Comment: In summary, the available evidence is currently insufficient to determine the role of this variant in disease. Therefore, it has been classified as a Variant of Uncertain Significance. Experimental studies and prediction algorithms are not available or were not evaluated, and the functional significance of this variant is currently unknown. This variant has not been reported in the literature in individuals affected with ALMS1-related conditions. This variant is not present in population databases (gnomAD no frequency). This sequence change replaces leucine, which is neutral and non-polar, with valine, which is neutral and non-polar, at codon 1537 of the ALMS1 protein (p.Leu1537Val).

NM_001378454.1(ALMS1):c.4606C>G (p.Leu1536Val)

Gene: ALMS1 (ALMS1 centrosome and basal body associated protein; plus strand). Cytogenetic location: 2p13.1.
Variant type: single nucleotide variant.
Coding change: c.4606C>G on transcript NM_001378454.1 (MANE Select); coding-DNA position 4606, C replaced by G.
Protein change: p.Leu1536Val; replaces leucine 1536 with valine.
Molecular consequence: missense variant.
Genome position (GRCh38, 1-based): chr2:73,451,133, C>G. VCF-style: chr2-73451133-C-G. GRCh37 (hg19) VCF-style: chr2-73678260-C-G.
Other names: c.4609C>G, p.Leu1537Val (NM_015120.4); short protein forms L1536V, L1537V.
Identifiers: ClinVar variation 1393332 (VCV001393332.6), dbSNP rs2103783328, ClinGen allele CA347278891.